The following is an entry in ClinVar:

ClinVar aggregate classification (germline): Likely benign (1 of 4 stars; one submission).

Allele frequency attached by ClinVar (database versions not stated): gnomAD 0.00027; TOPMed 0.00029; gnomAD exomes 0.00061; 1000 Genomes Project 0.00080; 1000 Genomes Project 30x 0.00109.
gnomAD v4.1: 171 of 352,924 alleles (0.048%); highest among the groups gnomAD compares: East Asian, 0.63%; no homozygotes.

Submission:

CeGaT Center for Human Genetics Tuebingen
Classification: Likely benign. Last evaluated: 2022-11-01. Review status: criteria provided, single submitter. Criteria: CeGaT Center For Human Genetics Tuebingen Variant Classification Criteria Version 2. Collection method: clinical testing. Allele origin: germline. Affected: yes. Observed: 1 variant allele.
Comment: KCNQ1OT1: BS1

NM_000218.3(KCNQ1):c.1394-36384C>T

Genes: KCNQ1 (potassium voltage-gated channel subfamily Q member 1; plus strand), KCNQ1OT1 (KCNQ1 opposite strand/antisense transcript 1; minus strand). Cytogenetic location: 11p15.5.
Variant type: single nucleotide variant.
Coding change: c.1394-36384C>T on transcript NM_000218.3 (MANE Select); 36384 bases into the intron before coding-DNA position 1394, C replaced by T.
Molecular consequence: intron variant. On other transcripts: non-coding transcript variant (1).
Genome position (GRCh38, 1-based): chr11:2,625,577, C>T. VCF-style: chr11-2625577-C-T. GRCh37 (hg19) VCF-style: chr11-2646807-C-T.
Other names: c.1124-36384C>T (NM_001406837.1); c.1298-36384C>T (NM_001406836.1); c.854-36384C>T (NM_001406838.1); c.1013-36384C>T (NM_181798.2).
Identifiers: ClinVar variation 2641395 (VCV002641395.24), dbSNP rs534354589, ClinGen allele CA216364314.